The following is an entry in ClinVar:

ClinVar aggregate classification (germline): Uncertain significance (1 of 4 stars; one submission).

Allele frequency attached by ClinVar (database versions not stated): ESP Exome Variant Server 0.00069; ExAC 0.00024; gnomAD 0.00049; 1000 Genomes Project 0.00120; TOPMed 0.00073; 1000 Genomes Project 30x 0.00109.
gnomAD v4.1: 189 of 1,613,482 alleles (0.012%); highest among the groups gnomAD compares: African/African-American, 0.16%; no homozygotes.

Submission:

Labcorp Genetics (formerly Invitae), Labcorp
Classification: Uncertain significance. Last evaluated: 2023-04-16. Review status: criteria provided, single submitter. Criteria: Invitae Variant Classification Sherloc (09022015). Collection method: clinical testing. Allele origin: germline.
Comment: This sequence change replaces arginine, which is basic and polar, with glutamine, which is neutral and polar, at codon 264 of the APOA4 protein (p.Arg264Gln). In summary, the available evidence is currently insufficient to determine the role of this variant in disease. Therefore, it has been classified as a Variant of Uncertain Significance. Advanced modeling of protein sequence and biophysical properties (such as structural, functional, and spatial information, amino acid conservation, physicochemical variation, residue mobility, and thermodynamic stability) performed at Invitae indicates that this missense variant is not expected to disrupt APOA4 protein function. ClinVar contains an entry for this variant (Variation ID: 2058026). This variant is also known as R244Q. This missense change has been observed in individual(s) with familial combined hyperlipidemia (PMID: 8956036). This variant is present in population databases (rs2238008, gnomAD 0.2%), and has an allele count higher than expected for a pathogenic variant.

Literature cited by the submitters: PubMed 8956036.

NM_000482.4(APOA4):c.791G>A (p.Arg264Gln)

Gene: APOA4 (apolipoprotein A4; minus strand). Cytogenetic location: 11q23.3.
Variant type: single nucleotide variant.
Coding change: c.791G>A on transcript NM_000482.4 (MANE Select); coding-DNA position 791, G replaced by A.
Protein change: p.Arg264Gln; replaces arginine 264 with glutamine.
Molecular consequence: missense variant.
Genome position (GRCh38, 1-based): chr11:116,821,267, C>T on the plus strand (G>A on the coding strand, the complement: APOA4 is on the minus strand). VCF-style: chr11-116821267-C-T. GRCh37 (hg19) VCF-style: chr11-116691983-C-T.
Other names: short protein forms R264Q.
Identifiers: ClinVar variation 2058026 (VCV002058026.4), dbSNP rs2238008, ClinGen allele CA6289311.